The following is an entry in ClinVar:

NM_006766.5(KAT6A):c.600+5G>C

Gene: KAT6A (lysine acetyltransferase 6A; minus strand). Cytogenetic location: 8p11.21.
Variant type: single nucleotide variant.
Coding change: c.600+5G>C on transcript NM_006766.5 (MANE Select); 5 bases into the intron after coding-DNA position 600, G replaced by C.
Molecular consequence: intron variant.
Genome position (GRCh38, 1-based): chr8:42,048,373, C>G on the plus strand (G>C on the coding strand, the complement: KAT6A is on the minus strand). VCF-style: chr8-42048373-C-G. GRCh37 (hg19) VCF-style: chr8-41905891-C-G.
Other names: c.600+5G>C (NM_001305878.2).
Identifiers: ClinVar variation 4686322 (VCV004686322.1).

ClinVar aggregate classification (germline): Uncertain significance (1 of 4 stars; one submission).

Submission:

GeneDx
Classification: Uncertain significance. Last evaluated: 2025-07-17. Review status: criteria provided, single submitter. Criteria: GeneDx Variant Classification Process June 2021. Collection method: clinical testing. Allele origin: germline. Affected: yes.
Comment: Not observed at significant frequency in large population cohorts (gnomAD); Has not been previously published as pathogenic or benign to our knowledge; In silico analysis is inconclusive as to whether the variant alters gene splicing. In the absence of RNA/functional studies, the actual effect of this sequence change is unknown.